The following is an entry in ClinVar:

ClinVar aggregate classification (germline): Uncertain significance (1 of 4 stars; one submission).

Conditions:
Combined immunodeficiency due to OX40 deficiency. Also called: Immunodeficiency 16; OX40 DEFICIENCY. Identifiers: Orphanet 431149, MedGen C3810053, MONDO:0014268, OMIM 615593.

Allele frequency attached by ClinVar (database versions not stated): ExAC 0.00001.
gnomAD v4.1: 15 of 1,609,716 alleles (0.00093%); highest among the groups gnomAD compares: Non-Finnish European, 0.0013%; no homozygotes.

Submission:

Labcorp Genetics (formerly Invitae), Labcorp
Classification: Uncertain significance for Combined immunodeficiency due to OX40 deficiency. Last evaluated: 2025-09-22. Review status: criteria provided, single submitter. Criteria: Invitae Variant Classification Sherloc (09022015). Collection method: clinical testing. Allele origin: germline.
Comment: This sequence change replaces aspartic acid, which is acidic and polar, with histidine, which is basic and polar, at codon 124 of the TNFRSF4 protein (p.Asp124His). This variant is present in population databases (rs761778989, gnomAD 0.003%). This variant has not been reported in the literature in individuals affected with TNFRSF4-related conditions. ClinVar contains an entry for this variant (Variation ID: 1396552). An algorithm developed to predict the effect of missense changes on protein structure and function (PolyPhen-2) suggests that this variant is likely to be disruptive. Algorithms developed to predict the effect of sequence changes on RNA splicing suggest that this variant may disrupt the consensus splice site. In summary, the available evidence is currently insufficient to determine the role of this variant in disease. Therefore, it has been classified as a Variant of Uncertain Significance.

NM_003327.4(TNFRSF4):c.370G>C (p.Asp124His)

Gene: TNFRSF4 (TNF receptor superfamily member 4; minus strand). Cytogenetic location: 1p36.33.
Variant type: single nucleotide variant.
Coding change: c.370G>C on transcript NM_003327.4 (MANE Select); coding-DNA position 370, G replaced by C.
Protein change: p.Asp124His; replaces aspartic acid 124 with histidine.
Molecular consequence: missense variant.
Genome position (GRCh38, 1-based): chr1:1,212,992, C>G on the plus strand (G>C on the coding strand, the complement: TNFRSF4 is on the minus strand). VCF-style: chr1-1212992-C-G. GRCh37 (hg19) VCF-style: chr1-1148372-C-G.
Other names: short protein forms D124H.
Identifiers: ClinVar variation 1396552 (VCV001396552.8), dbSNP rs761778989, ClinGen allele CA512519.